The following is an entry in ClinVar:

NM_001876.4(CPT1A):c.1939G>A (p.Ala647Thr)

Gene: CPT1A (carnitine palmitoyltransferase 1A; minus strand). Cytogenetic location: 11q13.3.
Variant type: single nucleotide variant.
Coding change: c.1939G>A on transcript NM_001876.4 (MANE Select); coding-DNA position 1939, G replaced by A.
Protein change: p.Ala647Thr; replaces alanine 647 with threonine.
Molecular consequence: missense variant.
Genome position (GRCh38, 1-based): chr11:68,761,624, C>T on the plus strand (G>A on the coding strand, the complement: CPT1A is on the minus strand). VCF-style: chr11-68761624-C-T. GRCh37 (hg19) VCF-style: chr11-68529092-C-T.
Other names: c.1939G>A, p.Ala647Thr (NM_001031847.3); short protein forms A647T.
Identifiers: ClinVar variation 2182650 (VCV002182650.1), dbSNP rs758916498, ClinGen allele CA6152148.

ClinVar aggregate classification (germline): Uncertain significance (1 of 4 stars; one submission).

Conditions:
Carnitine palmitoyl transferase 1A deficiency. Also called: CPT I DEFICIENCY; CPT DEFICIENCY, HEPATIC, TYPE I; Carnitine palmitoyltransferase type I deficiency; Carnitine palmitoyltransferase 1A deficiency; CPT deficiency, hepatic, type IA. Identifiers: Orphanet 156, MedGen C1829703, MONDO:0009705, OMIM 255120.

Allele frequency attached by ClinVar (database versions not stated): TOPMed below 0.00001; ExAC 0.00001; gnomAD 0.00001; gnomAD exomes 0.00001.
gnomAD v4.1: 11 of 1,613,962 alleles (0.00068%); highest among the groups gnomAD compares: Non-Finnish European, 0.00093%; no homozygotes.

Submission:

Labcorp Genetics (formerly Invitae), Labcorp
Classification: Uncertain significance for Carnitine palmitoyl transferase 1A deficiency. Last evaluated: 2022-04-30. Review status: criteria provided, single submitter. Criteria: Invitae Variant Classification Sherloc (09022015). Collection method: clinical testing. Allele origin: germline.
Comment: This sequence change replaces alanine, which is neutral and non-polar, with threonine, which is neutral and polar, at codon 647 of the CPT1A protein (p.Ala647Thr). This variant is present in population databases (rs758916498, gnomAD 0.003%). This variant has not been reported in the literature in individuals affected with CPT1A-related conditions. Algorithms developed to predict the effect of missense changes on protein structure and function are either unavailable or do not agree on the potential impact of this missense change (SIFT: "Deleterious"; PolyPhen-2: "Probably Damaging"; Align-GVGD: "Class C0"). In summary, the available evidence is currently insufficient to determine the role of this variant in disease. Therefore, it has been classified as a Variant of Uncertain Significance.